The following is an entry in ClinVar:

NM_006231.4(POLE):c.3547A>G (p.Ile1183Val)

Gene: POLE (DNA polymerase epsilon, catalytic subunit; minus strand). Cytogenetic location: 12q24.33.
Variant type: single nucleotide variant.
Coding change: c.3547A>G on transcript NM_006231.4 (MANE Select); coding-DNA position 3547, A replaced by G.
Protein change: p.Ile1183Val; replaces isoleucine 1183 with valine.
Molecular consequence: missense variant.
Genome position (GRCh38, 1-based): chr12:132,657,171, T>C on the plus strand (A>G on the coding strand, the complement: POLE is on the minus strand). VCF-style: chr12-132657171-T-C. GRCh37 (hg19) VCF-style: chr12-133233757-T-C.
Other names: short protein forms I1183V.
Identifiers: ClinVar variation 1350222 (VCV001350222.6), dbSNP rs2138656369, ClinGen allele CA387388427.

ClinVar aggregate classification (germline): Uncertain significance (1 of 4 stars; one submission).

Submission:

Labcorp Genetics (formerly Invitae), Labcorp
Classification: Uncertain significance. Last evaluated: 2021-11-08. Review status: criteria provided, single submitter. Criteria: Invitae Variant Classification Sherloc (09022015). Collection method: clinical testing. Allele origin: germline.
Comment: Studies have shown that this missense change results in the activation of a cryptic splice site in exon 29 (Invitae). This sequence change replaces isoleucine, which is neutral and non-polar, with valine, which is neutral and non-polar, at codon 1183 of the POLE protein (p.Ile1183Val). RNA analysis indicates that this missense change induces altered splicing and likely results in the loss of 12 amino acid residue(s), but is expected to preserve the integrity of the reading-frame. This variant is not present in population databases (gnomAD no frequency). This variant has not been reported in the literature in individuals affected with POLE-related conditions. Algorithms developed to predict the effect of missense changes on protein structure and function are either unavailable or do not agree on the potential impact of this missense change (SIFT: "Tolerated"; PolyPhen-2: "Possibly Damaging"; Align-GVGD: "Class C15"). In summary, the available evidence is currently insufficient to determine the role of this variant in disease. Therefore, it has been classified as a Variant of Uncertain Significance.